The following is an entry in ClinVar:

ClinVar aggregate classification (germline): Uncertain significance (1 of 4 stars; one submission).

Allele frequency attached by ClinVar (database versions not stated): gnomAD 0.00001; gnomAD exomes 0.00001; ExAC 0.00002; TOPMed 0.00002.
gnomAD v4.1: 11 of 1,582,100 alleles (0.0007%); highest among the groups gnomAD compares: East Asian, 0.018%; no homozygotes.

Submission:

Labcorp Genetics (formerly Invitae), Labcorp
Classification: Uncertain significance. Last evaluated: 2025-11-17. Review status: criteria provided, single submitter. Criteria: Invitae Variant Classification Sherloc (09022015). Collection method: clinical testing. Allele origin: germline.
Comment: This sequence change creates a premature translational stop signal (p.Trp15*) in the ADGRE2 gene. It is expected to result in an absent or disrupted protein product. However, the current clinical and genetic evidence is not sufficient to establish whether loss-of-function variants in ADGRE2 cause disease. This variant is present in population databases (rs776981841, gnomAD 0.04%). This variant has not been reported in the literature in individuals affected with ADGRE2-related conditions. ClinVar contains an entry for this variant (Variation ID: 1906023). In summary, the available evidence is currently insufficient to determine the role of this variant in disease. Therefore, it has been classified as a Variant of Uncertain Significance.

NM_013447.4(ADGRE2):c.45G>A (p.Trp15Ter)

Gene: ADGRE2 (adhesion G protein-coupled receptor E2; minus strand). Cytogenetic location: 19p13.12.
Variant type: single nucleotide variant.
Coding change: c.45G>A on transcript NM_013447.4 (MANE Select); coding-DNA position 45, G replaced by A.
Protein change: p.Trp15Ter; replaces tryptophan 15 with a stop codon.
Molecular consequence: nonsense.
Genome position (GRCh38, 1-based): chr19:14,774,293, C>T on the plus strand (G>A on the coding strand, the complement: ADGRE2 is on the minus strand). VCF-style: chr19-14774293-C-T. GRCh37 (hg19) VCF-style: chr19-14885105-C-T.
Other names: c.45G>A, p.Trp15Ter (NM_001271052.1, NM_152916.2, NM_152917.2); short protein forms W15*.
Identifiers: ClinVar variation 1906023 (VCV001906023.4), dbSNP rs776981841, ClinGen allele CA9258338.